The following is an entry in ClinVar:

NM_000384.3(APOB):c.5728C>T (p.His1910Tyr)

Gene: APOB (apolipoprotein B; minus strand). Cytogenetic location: 2p24.1.
Variant type: single nucleotide variant.
Coding change: c.5728C>T on transcript NM_000384.3 (MANE Select); coding-DNA position 5728, C replaced by T.
Protein change: p.His1910Tyr; replaces histidine 1910 with tyrosine.
Molecular consequence: missense variant.
Genome position (GRCh38, 1-based): chr2:21,011,140, G>A on the plus strand (C>T on the coding strand, the complement: APOB is on the minus strand). VCF-style: chr2-21011140-G-A. GRCh37 (hg19) VCF-style: chr2-21234012-G-A.
Other names: short protein forms H1910Y.
Identifiers: ClinVar variation 1749309 (VCV001749309.3), dbSNP rs2103357982, ClinGen allele CA346004105.

ClinVar aggregate classification (germline): Uncertain significance. Review status: criteria provided, multiple submitters, no conflicts (2 of 4 stars). 2 submissions from 2 submitters: Uncertain significance (2). Last evaluated 2025-06-30.

Conditions:
Familial hypobetalipoproteinemia 1. Also called: APOB-Related Familial Hypobetalipoproteinemia; Hypobetalipoproteinemia, normotriglyceridemic; Acanthocytosis with hypobetalipoproteinemia. Identifiers: MedGen C4551990, MONDO:0014252, OMIM 615558.
Hypercholesterolemia, autosomal dominant, type B (FHCL2). Also called: Hyperlipoproteinemia Type IIb; Familial hypercholesterolemia 2; Familial Hypercholesterolemia Type B; APOLIPOPROTEIN B-100, FAMILIAL DEFECTIVE; APOLIPOPROTEIN B-100, FAMILIAL LIGAND-DEFECTIVE; HYPERCHOLESTEROLEMIA, FAMILIAL, DUE TO LIGAND-DEFECTIVE APOLIPOPROTEIN B. Identifiers: MedGen C1704417, MONDO:0007751, OMIM 144010.
Cardiovascular phenotype. Identifiers: MedGen CN230736.

Allele frequency attached by ClinVar (database versions not stated): gnomAD exomes below 0.00001.
gnomAD v4.1: 1 of 1,614,192 alleles (0.000062%); highest among the groups gnomAD compares: South Asian, 0.0011%; no homozygotes.

Submissions (2):

Labcorp Genetics (formerly Invitae), Labcorp
Classification: Uncertain significance for Familial hypobetalipoproteinemia 1; Hypercholesterolemia, autosomal dominant, type B. Last evaluated: 2025-06-30. Review status: criteria provided, single submitter. Criteria: Invitae Variant Classification Sherloc (09022015). Collection method: clinical testing. Allele origin: germline.
Comment: This sequence change replaces histidine, which is basic and polar, with tyrosine, which is neutral and polar, at codon 1910 of the APOB protein (p.His1910Tyr). This variant is not present in population databases (gnomAD no frequency). This variant has not been reported in the literature in individuals affected with APOB-related conditions. ClinVar contains an entry for this variant (Variation ID: 1749309). Invitae Evidence Modeling of protein sequence and biophysical properties (such as structural, functional, and spatial information, amino acid conservation, physicochemical variation, residue mobility, and thermodynamic stability) indicates that this missense variant is not expected to disrupt APOB protein function with a negative predictive value of 95%. In summary, the available evidence is currently insufficient to determine the role of this variant in disease. Therefore, it has been classified as a Variant of Uncertain Significance.

Ambry Genetics
Classification: Uncertain significance for Cardiovascular phenotype. Last evaluated: 2022-08-29. Review status: criteria provided, single submitter. Criteria: Ambry Variant Classification Scheme 2023. Collection method: clinical testing. Allele origin: germline.
Comment: The p.H1910Y variant (also known as c.5728C>T), located in coding exon 26 of the APOB gene, results from a C to T substitution at nucleotide position 5728. The histidine at codon 1910 is replaced by tyrosine, an amino acid with similar properties. This amino acid position is conserved. In addition, this alteration is predicted to be tolerated by in silico analysis. Since supporting evidence is limited at this time, the clinical significance of this alteration remains unclear.